The following is an entry in ClinVar:

ClinVar aggregate classification (germline): Pathogenic. Review status: reviewed by expert panel (3 of 4 stars). 6 submissions from 6 submitters: Pathogenic (1). 5 of the submissions do not count toward it. Last evaluated 2016-10-18.

Conditions:
Hereditary breast ovarian cancer syndrome. Also called: Hereditary breast and ovarian cancer syndrome; Hereditary breast and ovarian cancer; Hereditary breast and ovarian cancer syndrome (HBOC); Breast and ovarian cancer; Hereditary breast and/or ovarian cancer syndrome; BRCA1- and BRCA2-Associated Hereditary Breast and Ovarian Cancer. Identifiers: Orphanet 145, MedGen C0677776, MeSH D061325, MONDO:0003582. Disease mechanism: loss of function.
Hereditary cancer-predisposing syndrome. Also called: Neoplastic Syndromes, Hereditary; Tumor predisposition; Hereditary neoplastic syndrome; Hereditary Cancer Syndrome. Identifiers: Orphanet 140162, MedGen C0027672, MeSH D009386, MONDO:0015356.
Breast-ovarian cancer, familial, susceptibility to, 2 (BROVCA2). Also called: BRCA2 Hereditary Breast and Ovarian Cancer. Identifiers: Orphanet 145, MedGen C2675520, MONDO:0012933, OMIM 612555. Disease mechanism: loss of function.

Submissions (6):

Evidence-based Network for the Interpretation of Germline Mutant Alleles (ENIGMA)
Classification: Pathogenic for Breast-ovarian cancer, familial, susceptibility to, 2. Last evaluated: 2016-10-18. Review status: reviewed by expert panel. Criteria: ENIGMA BRCA1/2 Classification Criteria (2015). Collection method: curation. Allele origin: germline.
Comment: Variant allele predicted to encode a truncated non-functional protein.

Ambry Genetics
Classification: Pathogenic for Hereditary cancer-predisposing syndrome. Last evaluated: 2025-04-02. Review status: criteria provided, single submitter. Criteria: Ambry Variant Classification Scheme 2023. Collection method: clinical testing. Allele origin: germline. Not counted in ClinVar's aggregate classification.
Comment: The p.W31* pathogenic mutation (also known as c.93G>A), located in coding exon 2 of the BRCA2 gene, results from a G to A substitution at nucleotide position 93. This changes the amino acid from a tryptophan to a stop codon within coding exon 2. This variant was reported in individual(s) with features consistent with BRCA2-related hereditary cancer predisposition (Makhetha M et al. S Afr Med J, 2024 May;114:e1094; Guindalini RSC et al. Sci Rep, 2022 Mar;12:4190; Zheng Y et al. J Clin Oncol, 2018 Oct;36:2820-2825; Fanale D et al. Cancers (Basel), 2020 Aug;12:; Bayraktar S et al. Cancer, 2012 Mar;118:1515-22). This alteration is expected to result in loss of function by premature protein truncation or nonsense-mediated mRNA decay. As such, this alteration is interpreted as a disease-causing mutation.

Labcorp Genetics (formerly Invitae), Labcorp
Classification: Pathogenic for Hereditary breast ovarian cancer syndrome. Last evaluated: 2022-09-08. Review status: criteria provided, single submitter. Criteria: Invitae Variant Classification Sherloc (09022015). Collection method: clinical testing. Allele origin: germline. Not counted in ClinVar's aggregate classification.
Comment: ClinVar contains an entry for this variant (Variation ID: 52829). For these reasons, this variant has been classified as Pathogenic. This variant is also known as 321G>A. This sequence change creates a premature translational stop signal (p.Trp31*) in the BRCA2 gene. It is expected to result in an absent or disrupted protein product. Loss-of-function variants in BRCA2 are known to be pathogenic (PMID: 20104584). This variant is not present in population databases (gnomAD no frequency). This premature translational stop signal has been observed in individual(s) with breast and/or ovarian cancer (PMID: 17080309, 22009639, 22776961, 26911350).

Women's Health and Genetics/Laboratory Corporation of America, LabCorp
Classification: Pathogenic for Hereditary breast ovarian cancer syndrome. Last evaluated: 2022-07-29. Review status: criteria provided, single submitter. Criteria: LabCorp Variant Classification Summary - May 2015. Collection method: clinical testing. Allele origin: germline. Not counted in ClinVar's aggregate classification.
Comment: Variant summary: BRCA2 c.93G>A (p.Trp31X) results in a premature termination codon, predicted to cause a truncation of the encoded protein or absence of the protein due to nonsense mediated decay, which are commonly known mechanisms for disease. Truncations downstream of this position have been classified as pathogenic by our laboratory. The variant was absent in 250830 control chromosomes (gnomAD). c.93G>A has been reported in the literature in individuals affected with Hereditary Breast And/or Ovarian Cancer Syndrome (examples: Rebbeck_2018 and Zheng_2018). At least one publication reports experimental evidence demonstating an impact on protein function (Mesman_BRCA2_GIM_2020). These data indicate that the variant is likely to be associated with disease. Four submitters including an expert panel (ENIGMA) have submitted clinical-significance assessments for this variant to ClinVar after 2014 and all classified the variant as pathogenic. Based on the evidence outlined above, the variant was classified as pathogenic.

Mendelics
Classification: Pathogenic for Hereditary breast and ovarian cancer syndrome. Last evaluated: 2018-07-02. Review status: criteria provided, single submitter. Criteria: Mendelics Assertion Criteria 2017. Collection method: clinical testing. Allele origin: unknown. Not counted in ClinVar's aggregate classification.

Consortium of Investigators of Modifiers of BRCA1/2 (CIMBA), c/o University of Cambridge
Classification: Pathogenic for Breast-ovarian cancer, familial, susceptibility to, 2. Last evaluated: 2015-10-02. Review status: criteria provided, single submitter. Criteria: CIMBA Mutation Classification guidelines May 2016. Collection method: clinical testing. Allele origin: germline. Not counted in ClinVar's aggregate classification.

Literature cited by the submitters: PubMed 22009639 (cited by Ambry Genetics and Labcorp Genetics (formerly Invitae), Labcorp); PubMed 30130155 (cited by Ambry Genetics and Women's Health and Genetics/Laboratory Corporation of America, LabCorp); PubMed 32854451 (cited by Ambry Genetics); PubMed 35264596 (cited by Ambry Genetics); PubMed 39041507 (cited by Ambry Genetics); PubMed 20104584 (cited by Labcorp Genetics (formerly Invitae), Labcorp); PubMed 17080309 (cited by Labcorp Genetics (formerly Invitae), Labcorp); PubMed 22776961 (cited by Labcorp Genetics (formerly Invitae), Labcorp); PubMed 26911350 (cited by Labcorp Genetics (formerly Invitae), Labcorp); PubMed 29446198 (cited by Women's Health and Genetics/Laboratory Corporation of America, LabCorp); PubMed 32398771 (cited by Women's Health and Genetics/Laboratory Corporation of America, LabCorp).

NM_000059.4(BRCA2):c.93G>A (p.Trp31Ter)

Gene: BRCA2 (BRCA2 DNA repair associated; plus strand). Cytogenetic location: 13q13.1.
Variant type: single nucleotide variant.
Coding change: c.93G>A on transcript NM_000059.4 (MANE Select); coding-DNA position 93, G replaced by A.
Protein change: p.Trp31Ter; replaces tryptophan 31 with a stop codon.
Molecular consequence: nonsense.
Genome position (GRCh38, 1-based): chr13:32,319,102, G>A. VCF-style: chr13-32319102-G-A. GRCh37 (hg19) VCF-style: chr13-32893239-G-A.
Other names: 0321G>A (W31X); short protein forms W31*.
Identifiers: ClinVar variation 52829 (VCV000052829.15), dbSNP rs80359214, ClinGen allele CA026138.